The following is an entry in ClinVar:

ClinVar aggregate classification (germline): Benign (0 of 4 stars; one submission).

Conditions:
FAT3-related disorder. Also called: FAT3-related condition.

Allele frequency attached by ClinVar (database versions not stated): gnomAD exomes 0.00039; ExAC 0.00114; ESP Exome Variant Server 0.00303; 1000 Genomes Project 0.00399; gnomAD 0.00402; TOPMed 0.00443; 1000 Genomes Project 30x 0.00484.
gnomAD v4.1: 1,198 of 1,612,756 alleles (0.074%); highest among the groups gnomAD compares: African/African-American, 1.4%; 6 homozygotes.

Submission:

PreventionGenetics, part of Exact Sciences
Classification: Benign for FAT3-related condition. Last evaluated: 2019-06-02. Review status: no assertion criteria provided. Collection method: clinical testing. Allele origin: germline.
Comment: This variant is classified as benign based on ACMG/AMP sequence variant interpretation guidelines (Richards et al. 2015 PMID: 25741868, with internal and published modifications).

NM_001367949.2(FAT3):c.11890G>A (p.Ala3964Thr)

Gene: FAT3 (FAT atypical cadherin 3; plus strand). Cytogenetic location: 11q14.3.
Variant type: single nucleotide variant.
Coding change: c.11890G>A on transcript NM_001367949.2 (MANE Select); coding-DNA position 11890, G replaced by A.
Protein change: p.Ala3964Thr; replaces alanine 3964 with threonine.
Molecular consequence: missense variant.
Genome position (GRCh38, 1-based): chr11:92,866,972, G>A. VCF-style: chr11-92866972-G-A. GRCh37 (hg19) VCF-style: chr11-92600138-G-A.
Other names: c.11890G>A, p.Ala3964Thr (NM_001008781.3); short protein forms A3964T.
Identifiers: ClinVar variation 3041756 (VCV003041756.2), dbSNP rs115948782, ClinGen allele CA6228440.
Genomic context (GRCh38, chr11:92,866,972, plus strand): 5'-CCCCTCTACTTCCAGACGCTGAGCACTGAGAGTAGCATCTACTTCGGCGCCCTGGTGCAA[G>A]CGGATAACATCCGCAGCCTGACTGACACGCGGGTCACGCAGGTGCTCAGCGGCTTCCAGG-3'
Protein context (NP_001354878.1, residues 3954-3974): SSIYFGALVQ[Ala3964Thr]DNIRSLTDTR